The following is an entry in ClinVar:

ClinVar aggregate classification (germline): Benign/Likely benign. Review status: criteria provided, multiple submitters, no conflicts (2 of 4 stars). 9 submissions from 9 submitters: Benign (1); Likely benign (8). Last evaluated 2026-03-24.

Conditions:
MSH6-related disorder. Also called: MSH6-related condition; MSH6-Related disorders.
Hereditary nonpolyposis colorectal neoplasms. Identifiers: MedGen C0009405, MeSH D003123.
Hereditary cancer-predisposing syndrome. Also called: Neoplastic Syndromes, Hereditary; Tumor predisposition; Hereditary neoplastic syndrome; Hereditary Cancer Syndrome. Identifiers: Orphanet 140162, MedGen C0027672, MeSH D009386, MONDO:0015356.
Lynch syndrome. Identifiers: Orphanet 144, MedGen C4552100, MONDO:0005835. Disease mechanism: loss of function.
Lynch syndrome 5 (LYNCH5). Also called: Colorectal cancer, hereditary nonpolyposis, type 5; Hereditary non-polyposis colorectal cancer, type 5. Identifiers: Orphanet 144, MedGen C1833477, MONDO:0013710, OMIM 614350. Disease mechanism: loss of function.

Allele frequency attached by ClinVar (database versions not stated): ExAC below 0.00001; gnomAD exomes below 0.00001; TOPMed 0.00002.
gnomAD v4.1: 2 of 1,498,662 alleles (0.00013%); highest among the groups gnomAD compares: Admixed American, 0.0049%; no homozygotes.

Submissions (9):

PreventionGenetics, part of Exact Sciences
Classification: Likely benign for MSH6-related condition. Last evaluated: 2026-03-24. Review status: criteria provided, single submitter. Criteria: ACMG Guidelines, 2015. Collection method: clinical testing. Allele origin: germline.
Comment: This variant is classified as likely benign based on ACMG/AMP sequence variant interpretation guidelines (Richards et al. 2015 PMID: 25741868, with internal and published modifications).

Labcorp Genetics (formerly Invitae), Labcorp
Classification: Likely benign for Hereditary nonpolyposis colorectal neoplasms. Last evaluated: 2025-12-09. Review status: criteria provided, single submitter. Criteria: Invitae Variant Classification Sherloc (09022015). Collection method: clinical testing. Allele origin: germline.

Myriad Genetics, Inc.
Classification: Benign for Lynch syndrome 5. Last evaluated: 2024-12-17. Review status: criteria provided, single submitter. Criteria: Myriad Autosomal Dominant, Autosomal Recessive and X-Linked Classification Criteria (2023). Collection method: clinical testing. Allele origin: unknown.
Comment: This variant is considered benign. This variant is a silent/synonymous amino acid change and it is not expected to impact splicing.

All of Us Research Program, National Institutes of Health
Classification: Likely benign for Lynch syndrome. Last evaluated: 2023-12-13. Review status: criteria provided, single submitter. Criteria: ACMG Guidelines, 2015. Collection method: clinical testing. Allele origin: germline. Inheritance: Autosomal dominant inheritance. Observed: 3 variant alleles, 3 heterozygotes.
Comment: This study involves interpretation of variants in research participants for the purpose of population health screening. Participant phenotype was not available at the time of variant classification. Additional details can be found in publication PMID: 35346344, PMCID: PMC8962531

Sema4
Classification: Likely benign for Hereditary cancer-predisposing syndrome. Last evaluated: 2022-02-24. Review status: criteria provided, single submitter. Criteria: Sema4 Curation Guidelines. Collection method: curation. Allele origin: germline.

GeneDx
Classification: Likely benign. Last evaluated: 2021-11-02. Review status: criteria provided, single submitter. Criteria: GeneDx Variant Classification Process June 2021. Collection method: clinical testing. Allele origin: germline. Affected: yes.

Color Diagnostics, LLC DBA Color Health
Classification: Likely benign for Hereditary cancer-predisposing syndrome. Last evaluated: 2017-09-20. Review status: criteria provided, single submitter. Criteria: ACMG Guidelines, 2015. Collection method: clinical testing. Allele origin: germline.

Ambry Genetics
Classification: Likely benign for Hereditary cancer-predisposing syndrome. Last evaluated: 2014-09-23. Review status: criteria provided, single submitter. Criteria: Ambry Variant Classification Scheme 2023. Collection method: clinical testing. Allele origin: germline.

Breakthrough Genomics
Classification: Likely benign. Review status: criteria provided, single submitter. Criteria: ACMG Guidelines, 2015. Collection method: not provided. Allele origin: germline. Inheritance: Autosomal recessive inheritance. Affected: yes.

NM_000179.3(MSH6):c.207G>A (p.Ala69=)

Gene: MSH6 (mutS homolog 6; plus strand). Cytogenetic location: 2p16.3.
Variant type: single nucleotide variant.
Coding change: c.207G>A on transcript NM_000179.3 (MANE Select); coding-DNA position 207, G replaced by A.
Protein change: p.Ala69=; no amino-acid change (alanine 69 retained).
Molecular consequence: synonymous variant. On other transcripts: 5 prime UTR variant (1).
Genome position (GRCh38, 1-based): chr2:47,783,440, G>A. VCF-style: chr2-47783440-G-A. GRCh37 (hg19) VCF-style: chr2-48010579-G-A.
Other names: c.207G>A, p.Ala69= (NM_001281492.2); c.-530G>A (NM_001281493.2).
Identifiers: ClinVar variation 184742 (VCV000184742.22), dbSNP rs757025193, ClinGen allele CA009650.